The following is an entry in ClinVar:

NM_138459.5(NUS1):c.199C>T (p.Arg67Cys)

Gene: NUS1 (NUS1 dehydrodolichyl diphosphate synthase subunit; plus strand). Cytogenetic location: 6q22.1.
Variant type: single nucleotide variant.
Coding change: c.199C>T on transcript NM_138459.5 (MANE Select); coding-DNA position 199, C replaced by T.
Protein change: p.Arg67Cys; replaces arginine 67 with cysteine.
Molecular consequence: missense variant.
Genome position (GRCh38, 1-based): chr6:117,675,869, C>T. VCF-style: chr6-117675869-C-T. GRCh37 (hg19) VCF-style: chr6-117997032-C-T.
Other names: short protein forms R67C.
Identifiers: ClinVar variation 2194938 (VCV002194938.4), dbSNP rs1433668009, ClinGen allele CA365536103.
Genomic context (GRCh38, chr6:117,675,869, plus strand): 5'-GCGGTCCTAGCGCCGCTCGGCTTCACGCTCCGCAAGCCCCCGGCAGTCGGCAGGAACCGC[C>T]GTCACCACCGGCACCCGCGCGGGGGGTCGTGCCTGGCAGCCGCACACCACCGGATGCGCT-3'
Protein context (NP_612468.1, residues 57-77): RKPPAVGRNR[Arg67Cys]HHRHPRGGSC

ClinVar aggregate classification (germline): Uncertain significance (1 of 4 stars; one submission).

Conditions:
Congenital disorder of glycosylation, type Iaa. Also called: Congenital disorder of glycosylation, type 1aa. Identifiers: MedGen C4310727, MONDO:0014904, OMIM 617082.

gnomAD v4.1: 2 of 1,532,622 alleles (0.00013%); highest among the groups gnomAD compares: South Asian, 0.0024%; no homozygotes.

Submission:

Labcorp Genetics (formerly Invitae), Labcorp
Classification: Uncertain significance for Congenital disorder of glycosylation, type Iaa. Last evaluated: 2022-06-18. Review status: criteria provided, single submitter. Criteria: Invitae Variant Classification Sherloc (09022015). Collection method: clinical testing. Allele origin: germline.
Comment: In summary, the available evidence is currently insufficient to determine the role of this variant in disease. Therefore, it has been classified as a Variant of Uncertain Significance. Algorithms developed to predict the effect of missense changes on protein structure and function are either unavailable or do not agree on the potential impact of this missense change (SIFT: "Deleterious"; PolyPhen-2: "Benign"; Align-GVGD: "Class C0"). This variant has not been reported in the literature in individuals affected with NUS1-related conditions. This variant is not present in population databases (gnomAD no frequency). This sequence change replaces arginine, which is basic and polar, with cysteine, which is neutral and slightly polar, at codon 67 of the NUS1 protein (p.Arg67Cys).